The following is an entry in ClinVar:

ClinVar aggregate classification (germline): Uncertain significance (1 of 4 stars; one submission).

Conditions:
Dyskeratosis congenita, autosomal dominant 1 (DKCA1). Also called: Dyskeratosis congenita Scoggins type. Identifiers: Orphanet 1775, MedGen C4551974, MONDO:0007485, OMIM 127550. Inheritance: Variable.

Submission:

Labcorp Genetics (formerly Invitae), Labcorp
Classification: Uncertain significance for Dyskeratosis congenita, autosomal dominant 1. Last evaluated: 2017-05-28. Review status: criteria provided, single submitter. Criteria: Invitae Variant Classification Sherloc (09022015). Collection method: clinical testing. Allele origin: germline.
Comment: In summary, this variant is a rare sequence change within one of the well-characterized functional domains of TERC. There is no indication that it causes disease, but the available evidence is currently insufficient to prove that conclusively. Therefore, it has been classified as a Variant of Uncertain Significance. This variant is located within the BoxH/ACA scaRNA domain of the TERC RNA component, which is required for telomerase activity (PMID: 21844345). Functional studies testing the effect of this variant on TERC secondary structure or function have not been reported. This variant has not been reported in the literature in an individual with a TERC-related disease. This variant is not present in population databases (ExAC no frequency). This sequence change occurs in the TERC gene, which encodes an RNA molecule that is not translated into a protein product. TERC is a telomerase RNA template component required for telomeric DNA synthesis.

Literature cited by the submitters: PubMed 21844345.

NC_000003.12:g.169764699C>A

Genes: TERC (telomerase RNA component; minus strand), LOC110806306 (telomerase RNA component (TERC) promoter; plus strand). Cytogenetic location: 3q26.2.
Variant type: single nucleotide variant.
Genome position: GRCh38 VCF-style: chr3-169764699-C-A. GRCh37 (hg19) VCF-style: chr3-169482487-C-A.
Identifiers: ClinVar variation 465769 (VCV000465769.9), dbSNP rs1553915587, ClinGen allele CA436714942.